The following is an entry in ClinVar:

NM_003738.5(PTCH2):c.565C>A (p.Leu189Ile)

Gene: PTCH2 (patched 2; minus strand). Cytogenetic location: 1p34.1.
Variant type: single nucleotide variant.
Coding change: c.565C>A on transcript NM_003738.5 (MANE Select); coding-DNA position 565, C replaced by A.
Protein change: p.Leu189Ile; replaces leucine 189 with isoleucine.
Molecular consequence: missense variant.
Genome position (GRCh38, 1-based): chr1:44,831,758, G>T on the plus strand (C>A on the coding strand, the complement: PTCH2 is on the minus strand). VCF-style: chr1-44831758-G-T. GRCh37 (hg19) VCF-style: chr1-45297430-G-T.
Other names: c.565C>A, p.Leu189Ile (NM_001166292.2); short protein forms L189I.
Identifiers: ClinVar variation 3427357 (VCV003427357.3).

ClinVar aggregate classification (germline): Uncertain significance. Review status: criteria provided, multiple submitters, no conflicts (2 of 4 stars). 2 submissions from 2 submitters: Uncertain significance (2). Last evaluated 2024-10-14.

Conditions:
Gorlin syndrome. Also called: Basal cell nevus syndrome; Nevoid Basal Cell Carcinoma Syndrome. Identifiers: Orphanet 377, MedGen C0004779, MONDO:0007187.

gnomAD v4.1: 12 of 1,586,834 alleles (0.00076%); highest among the groups gnomAD compares: East Asian, 0.007%; no homozygotes.

Submissions (2):

Labcorp Genetics (formerly Invitae), Labcorp
Classification: Uncertain significance for Gorlin syndrome. Last evaluated: 2024-10-14. Review status: criteria provided, single submitter. Criteria: Invitae Variant Classification Sherloc (09022015). Collection method: clinical testing. Allele origin: germline.
Comment: This sequence change replaces leucine, which is neutral and non-polar, with isoleucine, which is neutral and non-polar, at codon 189 of the PTCH2 protein (p.Leu189Ile). This variant is not present in population databases (gnomAD no frequency). This variant has not been reported in the literature in individuals affected with PTCH2-related conditions. Invitae Evidence Modeling of protein sequence and biophysical properties (such as structural, functional, and spatial information, amino acid conservation, physicochemical variation, residue mobility, and thermodynamic stability) has been performed for this missense variant. However, the output from this modeling did not meet the statistical confidence thresholds required to predict the impact of this variant on PTCH2 protein function. In summary, the available evidence is currently insufficient to determine the role of this variant in disease. Therefore, it has been classified as a Variant of Uncertain Significance.

Ambry Genetics
Classification: Uncertain significance. Last evaluated: 2024-08-21. Review status: criteria provided, single submitter. Criteria: Ambry Variant Classification Scheme 2023. Collection method: clinical testing. Allele origin: germline.